The following is an entry in ClinVar:

NM_014647.4(MARF1):c.1584C>T (p.Val528=)

Gene: MARF1 (meiosis regulator and mRNA stability factor 1; minus strand). Cytogenetic location: 16p13.11.
Variant type: single nucleotide variant.
Coding change: c.1584C>T on transcript NM_014647.4 (MANE Select); coding-DNA position 1584, C replaced by T.
Protein change: p.Val528=; no amino-acid change (valine 528 retained).
Molecular consequence: synonymous variant.
Genome position (GRCh38, 1-based): chr16:15,625,741, G>A on the plus strand (C>T on the coding strand, the complement: MARF1 is on the minus strand). VCF-style: chr16-15625741-G-A. GRCh37 (hg19) VCF-style: chr16-15719598-G-A.
Other names: c.1581C>T, p.Val527= (NM_001184998.2); c.1575C>T, p.Val525= (NM_001184999.2).
Identifiers: ClinVar variation 3389936 (VCV003389936.14).
Genomic context (GRCh38, chr16:15,625,741, plus strand): 5'-GCCTGTGATACTCAGCACTTTCCCACCACAATTATCGGACAGGCGTCTGAGCCTGTTGCT[G>A]ACGCTCTTGCCATCCTTATTTGCTGGTAGGTTATAAACATAGAGCAGAGTGTGGCACTGC-3'
Protein context (NP_055462.2, residues 518-538): NLPANKDGKS[Val528=]SNRLRRLSDN

ClinVar aggregate classification (germline): Likely benign (1 of 4 stars; one submission).

gnomAD v4.1: 1 of 1,614,098 alleles (0.000062%); highest among the groups gnomAD compares: Middle Eastern, 0.016%; no homozygotes.

Submission:

CeGaT Center for Human Genetics Tuebingen
Classification: Likely benign. Last evaluated: 2024-10-01. Review status: criteria provided, single submitter. Criteria: CeGaT Center For Human Genetics Tuebingen Variant Classification Criteria Version 2. Collection method: clinical testing. Allele origin: germline. Affected: yes. Observed: 1 variant allele.
Comment: MARF1: BP4, BP7